The following is an entry in ClinVar:

NC_000009.11:g.(?_36229008)_(36249404_?)dup

Gene: GNE (glucosamine (UDP-N-acetyl)-2-epimerase/N-acetylmannosamine kinase; minus strand). Cytogenetic location: 9p13.3.
Variant type: Duplication.
Identifiers: ClinVar variation 1502907 (VCV001502907.5).

ClinVar aggregate classification (germline): Likely pathogenic (1 of 4 stars; one submission).

Conditions:
Sialuria. Also called: SIALURIA, FRENCH TYPE; Sialic Acid Storage Disease. Identifiers: Orphanet 3166, MedGen C0342853, MONDO:0010028, OMIM 269921.
GNE myopathy (NM). Also called: NONAKA DISTAL MYOPATHY; IBM 2; Inclusion body myopathy autosomal recessive; Inclusion body myopathy quadriceps sparing; INCLUSION BODY MYOPATHY, HEREDITARY, AUTOSOMAL RECESSIVE; INCLUSION BODY MYOPATHY 2, AUTOSOMAL RECESSIVE. Identifiers: Orphanet 602, MedGen C1853926, MONDO:0011603, OMIM 605820.

Submission:

Labcorp Genetics (formerly Invitae), Labcorp
Classification: Likely pathogenic for Sialuria; GNE myopathy. Last evaluated: 2022-09-12. Review status: criteria provided, single submitter. Criteria: Invitae Variant Classification Sherloc (09022015). Collection method: clinical testing. Allele origin: germline.
Comment: In summary, the currently available evidence indicates that the variant is pathogenic, but additional data are needed to prove that conclusively. Therefore, this variant has been classified as Likely Pathogenic. This variant has not been reported in the literature in individuals affected with GNE-related conditions. This variant results in a copy number gain of the genomic region encompassing exon(s) 2-6 of the GNE gene. While the exact position of this variant cannot be determined from the data, sub-genic copy number gains are generally in tandem (PMID: 25640679). This variant is predicted to be out-of-frame, and may result in an absent or disrupted protein product. Loss-of-function variants in GNE are known to be pathogenic (PMID: 24027297).

Literature cited by the submitters: PubMed 25640679; PubMed 24027297.